The following is an entry in ClinVar:

ClinVar aggregate classification (germline): Likely benign. Review status: criteria provided, multiple submitters, no conflicts (2 of 4 stars). 4 submissions from 4 submitters: Likely benign (4). Last evaluated 2026-01-19.

Conditions:
LAMA1-related disorder. Also called: LAMA1-related condition; LAMA1-related disorders.

Allele frequency attached by ClinVar (database versions not stated): gnomAD 0.00014 and 0.00015; ExAC 0.00016; TOPMed 0.00016; ESP Exome Variant Server 0.00046.
gnomAD v4.1: 170 of 1,614,186 alleles (0.011%); highest among the groups gnomAD compares: East Asian, 0.033%; no homozygotes.

Submissions (4):

Labcorp Genetics (formerly Invitae), Labcorp
Classification: Likely benign. Last evaluated: 2026-01-19. Review status: criteria provided, single submitter. Criteria: Invitae Variant Classification Sherloc (09022015). Collection method: clinical testing. Allele origin: germline.

PreventionGenetics, part of Exact Sciences
Classification: Likely benign for LAMA1-related condition. Last evaluated: 2025-05-29. Review status: criteria provided, single submitter. Criteria: ACMG Guidelines, 2015. Collection method: clinical testing. Allele origin: germline.
Comment: This variant is classified as likely benign based on ACMG/AMP sequence variant interpretation guidelines (Richards et al. 2015 PMID: 25741868, with internal and published modifications).

Blueprint Genetics
Classification: Likely benign. Last evaluated: 2024-03-03. Review status: criteria provided, single submitter. Criteria: ACMG Guidelines, 2015. Collection method: clinical testing. Allele origin: germline.

CeGaT Center for Human Genetics Tuebingen
Classification: Likely benign. Last evaluated: 2024-03-01. Review status: criteria provided, single submitter. Criteria: CeGaT Center For Human Genetics Tuebingen Variant Classification Criteria Version 2. Collection method: clinical testing. Allele origin: germline. Affected: yes. Observed: 1 variant allele.
Comment: LAMA1: BP4, BP7

NM_005559.4(LAMA1):c.1788G>A (p.Pro596=)

Gene: LAMA1 (laminin subunit alpha 1; minus strand). Cytogenetic location: 18p11.31.
Variant type: single nucleotide variant.
Coding change: c.1788G>A on transcript NM_005559.4 (MANE Select); coding-DNA position 1788, G replaced by A.
Protein change: p.Pro596=; no amino-acid change (proline 596 retained).
Molecular consequence: synonymous variant.
Genome position (GRCh38, 1-based): chr18:7,036,038, C>T on the plus strand (G>A on the coding strand, the complement: LAMA1 is on the minus strand). VCF-style: chr18-7036038-C-T. GRCh37 (hg19) VCF-style: chr18-7036037-C-T.
Identifiers: ClinVar variation 737126 (VCV000737126.31), dbSNP rs150371854, ClinGen allele CA8882868.